The following is an entry in ClinVar:

ClinVar aggregate classification (germline): Uncertain significance (1 of 4 stars; one submission).

Conditions:
Early-infantile DEE. Also called: Early infantile epileptic encephalopathy with suppression bursts; Early infantile epileptic encephalopathy; Ohtahara syndrome. Identifiers: Orphanet 1934, MedGen C0393706, MONDO:0800491.

Submission:

Labcorp Genetics (formerly Invitae), Labcorp
Classification: Uncertain significance for Early-infantile DEE. Last evaluated: 2025-11-09. Review status: criteria provided, single submitter. Criteria: Invitae Variant Classification Sherloc (09022015). Collection method: clinical testing. Allele origin: germline.
Comment: This sequence change replaces alanine, which is neutral and non-polar, with glutamic acid, which is acidic and polar, at codon 813 of the SCN1A protein (p.Ala813Glu). This variant is not present in population databases (gnomAD no frequency). This variant has not been reported in the literature in individuals affected with SCN1A-related conditions. Invitae Evidence Modeling of protein sequence and biophysical properties (such as structural, functional, and spatial information, amino acid conservation, physicochemical variation, residue mobility, and thermodynamic stability) indicates that this missense variant is expected to disrupt SCN1A protein function with a positive predictive value of 95%. In summary, the available evidence is currently insufficient to determine the role of this variant in disease. Therefore, it has been classified as a Variant of Uncertain Significance.

NM_001165963.4(SCN1A):c.2438C>A (p.Ala813Glu)

Gene: SCN1A (sodium voltage-gated channel alpha subunit 1; minus strand). Cytogenetic location: 2q24.3.
Variant type: single nucleotide variant.
Coding change: c.2438C>A on transcript NM_001165963.4 (MANE Select); coding-DNA position 2438, C replaced by A.
Protein change: p.Ala813Glu; replaces alanine 813 with glutamic acid.
Molecular consequence: missense variant. On other transcripts: 5 prime UTR variant (1), non-coding transcript variant (1).
Genome position (GRCh38, 1-based): chr2:166,039,574, G>T on the plus strand (C>A on the coding strand, the complement: SCN1A is on the minus strand). VCF-style: chr2-166039574-G-T. GRCh37 (hg19) VCF-style: chr2-166896084-G-T.
Other names: c.2354C>A, p.Ala785Glu (NM_001165964.3, NM_001353957.2, NM_001353958.2); c.2438C>A, p.Ala813Glu (NM_001202435.3, NM_001353948.2); c.2405C>A, p.Ala802Glu (NM_001353949.2, NM_001353950.2, NM_001353951.2 and 2 more transcripts); c.2402C>A, p.Ala801Glu (NM_001353954.2, NM_001353955.2); c.2351C>A, p.Ala784Glu (NM_001353960.2); c.-5C>A (NM_001353961.2); short protein forms A784E, A785E, A801E, A802E, A813E.
Identifiers: ClinVar variation 4800282 (VCV004800282.1).